The following is an entry in ClinVar:

NM_001360.3(DHCR7):c.373T>C (p.Tyr125His)

Gene: DHCR7 (7-dehydrocholesterol reductase; minus strand). Cytogenetic location: 11q13.4.
Variant type: single nucleotide variant.
Coding change: c.373T>C on transcript NM_001360.3 (MANE Select); coding-DNA position 373, T replaced by C.
Protein change: p.Tyr125His; replaces tyrosine 125 with histidine.
Molecular consequence: missense variant.
Genome position (GRCh38, 1-based): chr11:71,442,302, A>G on the plus strand (T>C on the coding strand, the complement: DHCR7 is on the minus strand). VCF-style: chr11-71442302-A-G. GRCh37 (hg19) VCF-style: chr11-71153348-A-G.
Other names: c.373T>C, p.Tyr125His (NM_001163817.2, NM_001425118.1, NM_001425119.1 and 7 more transcripts); c.199T>C, p.Tyr67His (NM_001425117.1); c.409T>C, p.Tyr137His (NM_001425108.1); c.313T>C, p.Tyr105His (NM_001425113.1); c.277T>C, p.Tyr93His (NM_001425114.1, NM_001425116.1); short protein forms Y67H, Y93H, Y105H, Y125H, Y137H.
Identifiers: ClinVar variation 2742143 (VCV002742143.3), dbSNP rs1949357539, ClinGen allele CA381694948.
Genomic context (GRCh38, chr11:71,442,302, plus strand): 5'-GGGTGGAAGGGAGGAGGCTACCTGCAGGAGTCACGGCCCCCTCCTGGATGCCTCCTACGT[A>G]GCCGGGTAGAAACTTATGGCAGAAGTCAGGGAGAGACGTGTACAGAAGCACCTGAAACAC-3'
Protein context (NP_001351.2, residues 115-135): PDFCHKFLPG[Tyr125His]VGGIQEGAVT

ClinVar aggregate classification (germline): Likely pathogenic (1 of 4 stars; one submission).

Conditions:
Smith-Lemli-Opitz syndrome (SLOS). Also called: 7-Dehydrocholesterol reductase deficiency; LETHAL ACRODYSGENITAL SYNDROME; POLYDACTYLY, SEX REVERSAL, RENAL HYPOPLASIA, AND UNILOBAR LUNG; RSH SYNDROME; RUTLEDGE LETHAL MULTIPLE CONGENITAL ANOMALY SYNDROME. Identifiers: Orphanet 818, MedGen C0175694, MONDO:0010035, OMIM 270400.

Submission:

Labcorp Genetics (formerly Invitae), Labcorp
Classification: Likely pathogenic for Smith-Lemli-Opitz syndrome. Last evaluated: 2023-05-16. Review status: criteria provided, single submitter. Criteria: Invitae Variant Classification Sherloc (09022015). Collection method: clinical testing. Allele origin: germline.
Comment: This variant has not been reported in the literature in individuals affected with DHCR7-related conditions. This variant is not present in population databases (gnomAD no frequency). This sequence change replaces tyrosine, which is neutral and polar, with histidine, which is basic and polar, at codon 125 of the DHCR7 protein (p.Tyr125His). In summary, the currently available evidence indicates that the variant is pathogenic, but additional data are needed to prove that conclusively. Therefore, this variant has been classified as Likely Pathogenic. This variant disrupts the p.Tyr125 amino acid residue in DHCR7. Other variant(s) that disrupt this residue have been determined to be pathogenic (PMID: 23293579). This suggests that this residue is clinically significant, and that variants that disrupt this residue are likely to be disease-causing. Advanced modeling of protein sequence and biophysical properties (such as structural, functional, and spatial information, amino acid conservation, physicochemical variation, residue mobility, and thermodynamic stability) performed at Invitae indicates that this missense variant is expected to disrupt DHCR7 protein function.

Literature cited by the submitters: PubMed 23293579.